The following is an entry in ClinVar:

ClinVar aggregate classification (germline): Uncertain significance (1 of 4 stars; one submission).

gnomAD v4.1: 12 of 1,613,468 alleles (0.00074%); highest among the groups gnomAD compares: African/African-American, 0.0053%; no homozygotes.

Submission:

Labcorp Genetics (formerly Invitae), Labcorp
Classification: Uncertain significance. Last evaluated: 2025-09-23. Review status: criteria provided, single submitter. Criteria: Invitae Variant Classification Sherloc (09022015). Collection method: clinical testing. Allele origin: germline.
Comment: This sequence change replaces arginine, which is basic and polar, with tryptophan, which is neutral and slightly polar, at codon 228 of the FBLN1 protein (p.Arg228Trp). This variant is present in population databases (rs542978755, gnomAD 0.007%). This variant has not been reported in the literature in individuals affected with FBLN1-related conditions. An algorithm developed to predict the effect of missense changes on protein structure and function (PolyPhen-2) suggests that this variant is likely to be disruptive. In summary, the available evidence is currently insufficient to determine the role of this variant in disease. Therefore, it has been classified as a Variant of Uncertain Significance.

NM_006486.3(FBLN1):c.682C>T (p.Arg228Trp)

Gene: FBLN1 (fibulin 1; plus strand). Cytogenetic location: 22q13.31.
Variant type: single nucleotide variant.
Coding change: c.682C>T on transcript NM_006486.3 (MANE Select); coding-DNA position 682, C replaced by T.
Protein change: p.Arg228Trp; replaces arginine 228 with tryptophan.
Molecular consequence: missense variant.
Genome position (GRCh38, 1-based): chr22:45,533,796, C>T. VCF-style: chr22-45533796-C-T. GRCh37 (hg19) VCF-style: chr22-45929676-C-T.
Other names: c.682C>T, p.Arg228Trp (NM_001996.4, NM_006485.4, NM_006487.3); short protein forms R228W.
Identifiers: ClinVar variation 4701593 (VCV004701593.1).
Genomic context (GRCh38, chr22:45,533,796, plus strand): 5'-CCCGCACTGCCTCGGTCTCTCCTAGATGTCAATGAATGCATCACGGGCAGCCACAGCTGC[C>T]GGCTTGGAGAATCCTGCATCAACACAGTGGGCTCTTTCCGCTGCCAGCGGGACAGCAGCT-3'
Protein context (NP_006477.3, residues 218-238): NECITGSHSC[Arg228Trp]LGESCINTVG